The following is an entry in ClinVar:

ClinVar aggregate classification (germline): Uncertain significance (1 of 4 stars; one submission).

Conditions:
Inborn genetic diseases. Identifiers: MedGen C0950123, MeSH D030342.

Submission:

Ambry Genetics
Classification: Uncertain significance for Inborn genetic diseases. Last evaluated: 2025-12-16. Review status: criteria provided, single submitter. Criteria: Ambry Variant Classification Scheme 2023. Collection method: clinical testing. Allele origin: germline.
Comment: The p.K850E variant (also known as c.2548A>G), located in coding exon 1 of the SAMD9L gene, results from an A to G substitution at nucleotide position 2548. The lysine at codon 850 is replaced by glutamic acid, an amino acid with similar properties. This amino acid position is conserved. In addition, this alteration is predicted to be tolerated by in silico analysis. Based on the available evidence, the clinical significance of this variant remains unclear.

NM_152703.5(SAMD9L):c.2548A>G (p.Lys850Glu)

Gene: SAMD9L (sterile alpha motif domain containing 9 like; minus strand). Cytogenetic location: 7q21.2.
Variant type: single nucleotide variant.
Coding change: c.2548A>G on transcript NM_152703.5 (MANE Select); coding-DNA position 2548, A replaced by G.
Protein change: p.Lys850Glu; replaces lysine 850 with glutamic acid.
Molecular consequence: missense variant.
Genome position (GRCh38, 1-based): chr7:93,133,424, T>C on the plus strand (A>G on the coding strand, the complement: SAMD9L is on the minus strand). VCF-style: chr7-93133424-T-C. GRCh37 (hg19) VCF-style: chr7-92762737-T-C.
Other names: c.2548A>G, p.Lys850Glu (NM_001303496.3, NM_001303497.3, NM_001303498.3 and 5 more transcripts); short protein forms K850E.
Identifiers: ClinVar variation 4841993 (VCV004841993.1).
Genomic context (GRCh38, chr7:93,133,424, plus strand): 5'-CAAAAGCTCTTTGTTCCTTGGAAGAAAGTTGGTAATTTAGTGCAATACTGTCTGCCAATT[T>C]TGCACTTTCATCTGGATTCCGGGATCTCATGCAGTTTAAGATAATTACCAATGTTTTTTC-3'
Protein context (NP_689916.2, residues 840-860): MRSRNPDESA[Lys850Glu]LADSIALNYQ